The following is an entry in ClinVar:

NM_001242896.3(DEPDC5):c.2710T>G (p.Cys904Gly)

Gene: DEPDC5 (DEP domain containing 5, GATOR1 subcomplex subunit; plus strand). Cytogenetic location: 22q12.3.
Variant type: single nucleotide variant.
Coding change: c.2710T>G on transcript NM_001242896.3 (MANE Select); coding-DNA position 2710, T replaced by G.
Protein change: p.Cys904Gly; replaces cysteine 904 with glycine.
Molecular consequence: missense variant. On other transcripts: non-coding transcript variant (5).
Genome position (GRCh38, 1-based): chr22:31,843,721, T>G. VCF-style: chr22-31843721-T-G. GRCh37 (hg19) VCF-style: chr22-32239707-T-G.
Other names: c.2683T>G, p.Cys895Gly (NM_001136029.4, NM_001369903.1, NM_014662.6); c.2476T>G, p.Cys826Gly (NM_001242897.2, NM_001363854.2, NM_001364319.2); c.2710T>G, p.Cys904Gly (NM_001363852.2, NM_001364318.2, NM_001364320.2); c.2626T>G, p.Cys876Gly (NM_001369901.1, NM_001369902.1); short protein forms C876G, C904G, C826G, C895G.
Identifiers: ClinVar variation 2062645 (VCV002062645.4), dbSNP rs2520119464, ClinGen allele CA411289838.
Genomic context (GRCh38, chr22:31,843,721, plus strand): 5'-GCCCAGATCCACTACACCTACAGCCTCTGTCCTTCCCACTCAGACTCAGAGTTCGTCTCC[T>G]GCTGGGTGGAATTCTCCCACGAACGGCTGGAGGAGTACAAGTGGAATTACTTAGATCAGT-3'
Protein context (NP_001229825.1, residues 894-914): PSHSDSEFVS[Cys904Gly]WVEFSHERLE

ClinVar aggregate classification (germline): Uncertain significance (1 of 4 stars; one submission).

Conditions:
Familial focal epilepsy with variable foci (FPEVF). Identifiers: Orphanet 98820, MedGen C1858477, MONDO:0020310.

Allele frequency attached by ClinVar (database versions not stated): gnomAD exomes below 0.00001.
gnomAD v4.1: 1 of 1,614,114 alleles (0.000062%); highest among the groups gnomAD compares: Admixed American, 0.0017%; no homozygotes.

Submission:

Labcorp Genetics (formerly Invitae), Labcorp
Classification: Uncertain significance for Familial focal epilepsy with variable foci. Last evaluated: 2024-01-19. Review status: criteria provided, single submitter. Criteria: Invitae Variant Classification Sherloc (09022015). Collection method: clinical testing. Allele origin: germline.
Comment: This sequence change replaces cysteine, which is neutral and slightly polar, with glycine, which is neutral and non-polar, at codon 904 of the DEPDC5 protein (p.Cys904Gly). This variant is not present in population databases (gnomAD no frequency). This variant has not been reported in the literature in individuals affected with DEPDC5-related conditions. ClinVar contains an entry for this variant (Variation ID: 2062645). Experimental studies and prediction algorithms are not available or were not evaluated, and the functional significance of this variant is currently unknown. In summary, the available evidence is currently insufficient to determine the role of this variant in disease. Therefore, it has been classified as a Variant of Uncertain Significance.